The following is an entry in ClinVar:

ClinVar aggregate classification (germline): Uncertain significance (1 of 4 stars; one submission).

Conditions:
Neuronal ceroid lipofuscinosis 7 (CLN7). Also called: MFSD8-Related Neuronal Ceroid-Lipofuscinosis. Identifiers: Orphanet 168491, Orphanet 228366, MedGen C1838571, MONDO:0012588, OMIM 610951.

Allele frequency attached by ClinVar (database versions not stated): TOPMed below 0.00001; gnomAD exomes 0.00001; ExAC 0.00002.
gnomAD v4.1: 16 of 1,614,162 alleles (0.00099%); highest among the groups gnomAD compares: Admixed American, 0.0017%; no homozygotes.

Submission:

Labcorp Genetics (formerly Invitae), Labcorp
Classification: Uncertain significance for Neuronal ceroid lipofuscinosis 7. Last evaluated: 2022-07-01. Review status: criteria provided, single submitter. Criteria: Invitae Variant Classification Sherloc (09022015). Collection method: clinical testing. Allele origin: germline.
Comment: This sequence change replaces proline, which is neutral and non-polar, with alanine, which is neutral and non-polar, at codon 390 of the MFSD8 protein (p.Pro390Ala). This variant is present in population databases (rs767262517, gnomAD 0.003%). This variant has not been reported in the literature in individuals affected with MFSD8-related conditions. ClinVar contains an entry for this variant (Variation ID: 1440411). Algorithms developed to predict the effect of missense changes on protein structure and function (SIFT, PolyPhen-2, Align-GVGD) all suggest that this variant is likely to be tolerated. In summary, the available evidence is currently insufficient to determine the role of this variant in disease. Therefore, it has been classified as a Variant of Uncertain Significance.

NM_001371596.2(MFSD8):c.1168C>G (p.Pro390Ala)

Gene: MFSD8 (major facilitator superfamily domain containing 8; minus strand). Cytogenetic location: 4q28.2.
Variant type: single nucleotide variant.
Coding change: c.1168C>G on transcript NM_001371596.2 (MANE Select); coding-DNA position 1168, C replaced by G.
Protein change: p.Pro390Ala; replaces proline 390 with alanine.
Molecular consequence: missense variant.
Genome position (GRCh38, 1-based): chr4:127,921,706, G>C on the plus strand (C>G on the coding strand, the complement: MFSD8 is on the minus strand). VCF-style: chr4-127921706-G-C. GRCh37 (hg19) VCF-style: chr4-128842861-G-C.
Other names: c.967C>G, p.Pro323Ala (NM_001363520.3); c.853C>G, p.Pro285Ala (NM_001363521.3); c.1033C>G, p.Pro345Ala (NM_001371590.2); c.1168C>G, p.Pro390Ala (NM_001371591.2, NM_152778.4); c.1174C>G, p.Pro392Ala (NM_001371592.2); c.1054C>G, p.Pro352Ala (NM_001371593.2); c.1021C>G, p.Pro341Ala (NM_001371594.2); c.886C>G, p.Pro296Ala (NM_001371595.1); and 2 more; short protein forms P323A, P345A, P296A, P341A, P390A, P285A, P352A, P392A.
Identifiers: ClinVar variation 1440411 (VCV001440411.6), dbSNP rs767262517, ClinGen allele CA3077276.